The following is an entry in ClinVar:

NM_001875.5(CPS1):c.2140G>T (p.Glu714Ter)

Gene: CPS1 (carbamoyl-phosphate synthase 1; plus strand). Cytogenetic location: 2q34.
Variant type: single nucleotide variant.
Coding change: c.2140G>T on transcript NM_001875.5 (MANE Select); coding-DNA position 2140, G replaced by T.
Protein change: p.Glu714Ter; replaces glutamic acid 714 with a stop codon.
Molecular consequence: nonsense. On other transcripts: non-coding transcript variant (2).
Genome position (GRCh38, 1-based): chr2:210,606,889, G>T. VCF-style: chr2-210606889-G-T. GRCh37 (hg19) VCF-style: chr2-211471613-G-T.
Other names: c.2140G>T, p.Glu714Ter (NM_001122633.3, NM_001369257.1); c.2173G>T, p.Glu725Ter (NM_001369256.1); c.2140G>T (NM_001875.4); short protein forms E714*, E725*.
Identifiers: ClinVar variation 984188 (VCV000984188.9), dbSNP rs1337182136, ClinGen allele CA350439129.

ClinVar aggregate classification (germline): Pathogenic/Likely pathogenic. Review status: criteria provided, multiple submitters, no conflicts (2 of 4 stars). 3 submissions from 3 submitters: Pathogenic (1); Likely pathogenic (2). Last evaluated 2024-04-04.

Conditions:
Congenital hyperammonemia, type I. Also called: Carbamoyl phosphate synthetase I deficiency disease; Carbamoyl phosphate synthetase 1 deficiency; Hyperammonemia due to carbamoyl phosphate synthetase 1 deficiency; CPS 1 deficiency; Carbamyl phosphate synthetase (CPS) deficiency; Carbamoyl-phosphate synthase I deficiency. Identifiers: Orphanet 147, MedGen C4082171, MONDO:0009376, OMIM 237300.

Allele frequency attached by ClinVar (database versions not stated): gnomAD exomes below 0.00001.
gnomAD v4.1: 6 of 1,612,610 alleles (0.00037%); highest among the groups gnomAD compares: Non-Finnish European, 0.00034%; no homozygotes.

Submissions (3):

Natera, Inc.
Classification: Likely pathogenic for Carbamoyl-phosphate synthase I deficiency. Last evaluated: 2024-04-04. Review status: criteria provided, single submitter. Criteria: Natera Variant Classification Schema (03/2026). Collection method: clinical testing. Allele origin: germline.
Comment: The c.2140G>T variant in CPS1 is a nonsense variant predicted to introduce a stop codon at amino acid 714. This variant is expected to result in nonsense mediated decay, truncation, or a dysfunctional protein product. This variant is rare in the general population with a frequency below the threshold expected for the associated phenotype(s). Given the available evidence, this variant is classified as Likely Pathogenic.

Labcorp Genetics (formerly Invitae), Labcorp
Classification: Pathogenic for Congenital hyperammonemia, type I. Last evaluated: 2023-07-10. Review status: criteria provided, single submitter. Criteria: Invitae Variant Classification Sherloc (09022015). Collection method: clinical testing. Allele origin: germline.
Comment: For these reasons, this variant has been classified as Pathogenic. ClinVar contains an entry for this variant (Variation ID: 984188). The frequency data for this variant in the population databases is considered unreliable, as metrics indicate poor data quality at this position in the gnomAD database. This variant has not been reported in the literature in individuals affected with CPS1-related conditions. This sequence change creates a premature translational stop signal (p.Glu714*) in the CPS1 gene. It is expected to result in an absent or disrupted protein product. Loss-of-function variants in CPS1 are known to be pathogenic (PMID: 21120950).

Myriad Genetics, Inc.
Classification: Likely pathogenic for Congenital hyperammonemia, type I. Last evaluated: 2019-05-29. Review status: criteria provided, single submitter. Criteria: Myriad Women's Health Autosomal Recessive and X-Linked Classification Criteria (2019). Collection method: clinical testing. Allele origin: unknown.
Comment: NM_001875.4(CPS1):c.2140G>T(E714*) is expected to be pathogenic in the context of carbamoylphosphate synthetase I deficiency. This variant is predicted to lead to an abnormal or absent protein product due to the creation of a premature termination codon in CPS1, a gene where loss-of-function variants are known to be pathogenic. Please note: this variant was assessed in the context of healthy population screening.

Literature cited by the submitters: PubMed 21120950 (cited by Labcorp Genetics (formerly Invitae), Labcorp).